The following is an entry in ClinVar:

NM_001130009.3(GEN1):c.2080A>C (p.Asn694His)

Gene: GEN1 (GEN1 Holliday junction 5' flap endonuclease; plus strand). Cytogenetic location: 2p24.2.
Variant type: single nucleotide variant.
Coding change: c.2080A>C on transcript NM_001130009.3 (MANE Select); coding-DNA position 2080, A replaced by C.
Protein change: p.Asn694His; replaces asparagine 694 with histidine.
Molecular consequence: missense variant.
Genome position (GRCh38, 1-based): chr2:17,781,292, A>C. VCF-style: chr2-17781292-A-C. GRCh37 (hg19) VCF-style: chr2-17962559-A-C.
Other names: c.2080A>C, p.Asn694His (NM_182625.5); short protein forms N694H.
Identifiers: ClinVar variation 4263096 (VCV004263096.1).
Genomic context (GRCh38, chr2:17,781,292, plus strand): 5'-TTAAAGGAACGAATATTTACAAAATTATCATATCCTCAGGATAATCTACAACCAGATGTC[A>C]ACCTGAAAACTTTGTCCATACTTAGTGTAAAAGAATCTTGTATTGCTAACAGTGGTTCTG-3'
Protein context (NP_001123481.3, residues 684-704): YPQDNLQPDV[Asn694His]LKTLSILSVK

ClinVar aggregate classification (germline): Uncertain significance (1 of 4 stars; one submission).

Submission:

Ambry Genetics
Classification: Uncertain significance. Last evaluated: 2025-08-25. Review status: criteria provided, single submitter. Criteria: Ambry Variant Classification Scheme 2023. Collection method: clinical testing. Allele origin: germline.
Comment: The p.N694H variant (also known as c.2080A>C), located in coding exon 13 of the GEN1 gene, results from an A to C substitution at nucleotide position 2080. The asparagine at codon 694 is replaced by histidine, an amino acid with similar properties. This amino acid position is conserved. In addition, this alteration is predicted to be tolerated by in silico analysis. Based on the available evidence, the clinical significance of this variant remains unclear.